The following is an entry in ClinVar:

ClinVar aggregate classification (germline): Uncertain significance (1 of 4 stars; one submission).

Allele frequency attached by ClinVar (database versions not stated): gnomAD exomes 0.00001; gnomAD 0.00002; TOPMed 0.00003.
gnomAD v4.1: 15 of 1,196,359 alleles (0.0013%); highest among the groups gnomAD compares: African/African-American, 0.0053%; no homozygotes.

Submission:

Labcorp Genetics (formerly Invitae), Labcorp
Classification: Uncertain significance. Last evaluated: 2024-10-24. Review status: criteria provided, single submitter. Criteria: Invitae Variant Classification Sherloc (09022015). Collection method: clinical testing. Allele origin: germline.
Comment: This sequence change falls in intron 10 of the CLCN4 gene. It does not directly change the encoded amino acid sequence of the CLCN4 protein. It affects a nucleotide within the consensus splice site. This variant is not present in population databases (gnomAD no frequency). This variant has not been reported in the literature in individuals affected with CLCN4-related conditions. ClinVar contains an entry for this variant (Variation ID: 1451022). Variants that disrupt the consensus splice site are a relatively common cause of aberrant splicing (PMID: 17576681, 9536098). Algorithms developed to predict the effect of sequence changes on RNA splicing suggest that this variant is not likely to affect RNA splicing. In summary, the available evidence is currently insufficient to determine the role of this variant in disease. Therefore, it has been classified as a Variant of Uncertain Significance.

Literature cited by the submitters: PubMed 17576681; PubMed 9536098.

NM_001830.4(CLCN4):c.1576+4C>T

Gene: CLCN4 (chloride voltage-gated channel 4; plus strand). Cytogenetic location: Xp22.2.
Variant type: single nucleotide variant.
Coding change: c.1576+4C>T on transcript NM_001830.4 (MANE Select); 4 bases into the intron after coding-DNA position 1576, C replaced by T.
Molecular consequence: intron variant.
Genome position (GRCh38, 1-based): chrX:10,212,657, C>T. VCF-style: chrX-10212657-C-T. GRCh37 (hg19) VCF-style: chrX-10180697-C-T.
Other names: c.1294+4C>T (NM_001256944.2).
Identifiers: ClinVar variation 1451022 (VCV001451022.6), dbSNP rs948007734, ClinGen allele CA326601227.